The following is an entry in ClinVar:

ClinVar aggregate classification (germline): Uncertain significance (0 of 4 stars; one submission).

Conditions:
TBX1-related disorder. Also called: TBX1-Related Disorders; TBX1-related condition.

Submission:

PreventionGenetics, part of Exact Sciences
Classification: Uncertain significance for TBX1-related condition. Last evaluated: 2023-12-24. Review status: no assertion criteria provided. Collection method: clinical testing. Allele origin: germline.
Comment: The TBX1 c.1417G>C variant is predicted to result in the amino acid substitution p.Ala473Pro. To our knowledge, this variant has not been reported in the literature or in a large population database, indicating this variant is rare. At this time, the clinical significance of this variant is uncertain due to the absence of conclusive functional and genetic evidence.

NM_001379200.1(TBX1):c.1444G>C (p.Ala482Pro)

Gene: TBX1 (T-box transcription factor 1; plus strand). Cytogenetic location: 22q11.21.
Variant type: single nucleotide variant.
Coding change: c.1444G>C on transcript NM_001379200.1 (MANE Select); coding-DNA position 1444, G replaced by C.
Protein change: p.Ala482Pro; replaces alanine 482 with proline.
Molecular consequence: missense variant. On other transcripts: intron variant (2).
Genome position (GRCh38, 1-based): chr22:19,766,796, G>C. VCF-style: chr22-19766796-G-C. GRCh37 (hg19) VCF-style: chr22-19754319-G-C.
Other names: c.1417G>C, p.Ala473Pro (NM_080647.1); c.1009+794G>C (NM_005992.1, NM_080646.2); short protein forms A473P, A482P.
Identifiers: ClinVar variation 3052490 (VCV003052490.2), dbSNP rs2517859728, ClinGen allele CA410685523.